The following is an entry in ClinVar:

NM_001385408.1(NBPF15):c.708C>T (p.Val236=)

Gene: NBPF15 (NBPF member 15; minus strand). Cytogenetic location: 1q21.1.
Variant type: single nucleotide variant.
Coding change: c.708C>T on transcript NM_001385408.1 (MANE Select); coding-DNA position 708, C replaced by T.
Protein change: p.Val236=; no amino-acid change (valine 236 retained).
Molecular consequence: synonymous variant.
Genome position (GRCh38, 1-based): chr1:144,435,175, G>A on the plus strand (C>T on the coding strand, the complement: NBPF15 is on the minus strand). VCF-style: chr1-144435175-G-A. GRCh37 (hg19) VCF-style: chr1-148582474-C-T.
Other names: c.708C>T, p.Val236= (NM_001170755.3, NM_001385373.1, NM_001385374.1 and 50 more transcripts).
Identifiers: ClinVar variation 4535016 (VCV004535016.6).

ClinVar aggregate classification (germline): Likely benign (1 of 4 stars; one submission).

gnomAD v4.1: 71 of 1,612,984 alleles (0.0044%); highest among the groups gnomAD compares: Admixed American, 0.047%; 1 homozygote.

Submission:

CeGaT Center for Human Genetics Tuebingen
Classification: Likely benign. Last evaluated: 2025-10-01. Review status: criteria provided, single submitter. Criteria: CeGaT Center For Human Genetics Tuebingen Variant Classification Criteria Version 2. Collection method: clinical testing. Allele origin: germline. Affected: yes. Observed: 1 variant allele.
Comment: NBPF15: BP4, BP7